The following is an entry in ClinVar:

ClinVar aggregate classification (germline): Conflicting classifications of pathogenicity. Review status: criteria provided, conflicting classifications (1 of 4 stars). 3 submissions from 3 submitters: Uncertain significance (2); Likely benign (1). Last evaluated 2025-10-26.

Conditions:
Hereditary breast ovarian cancer syndrome. Also called: Hereditary breast and ovarian cancer; Hereditary breast and/or ovarian cancer syndrome; Hereditary breast and ovarian cancer syndrome; Hereditary breast and ovarian cancer syndrome (HBOC); Breast and ovarian cancer; BRCA1- and BRCA2-Associated Hereditary Breast and Ovarian Cancer. Identifiers: Orphanet 145, MedGen C0677776, MeSH D061325, MONDO:0003582. Disease mechanism: loss of function.
Hereditary cancer-predisposing syndrome. Also called: Hereditary neoplastic syndrome; Tumor predisposition; Neoplastic Syndromes, Hereditary; Hereditary Cancer Syndrome. Identifiers: Orphanet 140162, MedGen C0027672, MeSH D009386, MONDO:0015356.

Submissions (3):

Labcorp Genetics (formerly Invitae), Labcorp
Classification: Uncertain significance for Hereditary breast ovarian cancer syndrome. Last evaluated: 2025-10-26. Review status: criteria provided, single submitter. Criteria: Invitae Variant Classification Sherloc (09022015). Collection method: clinical testing. Allele origin: germline.
Comment: This sequence change replaces alanine, which is neutral and non-polar, with proline, which is neutral and non-polar, at codon 1991 of the BRCA2 protein (p.Ala1991Pro). This variant is not present in population databases (gnomAD no frequency). This variant has not been reported in the literature in individuals affected with BRCA2-related conditions. ClinVar contains an entry for this variant (Variation ID: 953941). Invitae Evidence Modeling of protein sequence and biophysical properties (such as structural, functional, and spatial information, amino acid conservation, physicochemical variation, residue mobility, and thermodynamic stability) indicates that this missense variant is not expected to disrupt BRCA2 protein function with a negative predictive value of 95%. In summary, the available evidence is currently insufficient to determine the role of this variant in disease. Therefore, it has been classified as a Variant of Uncertain Significance.

Quest Diagnostics Nichols Institute San Juan Capistrano
Classification: Uncertain significance. Last evaluated: 2023-10-14. Review status: criteria provided, single submitter. Criteria: Quest Diagnostics criteria. Collection method: clinical testing. Allele origin: unknown.

University of Washington Department of Laboratory Medicine, University of Washington
Classification: Likely benign for Hereditary cancer-predisposing syndrome. Last evaluated: 2023-03-23. Review status: criteria provided, single submitter. Criteria: Dines et al. (Genet Med. 2020). Collection method: curation. Allele origin: germline.
Comment: Missense variant in a coldspot region where missense variants are very unlikely to be pathogenic (PMID:31911673).

BRCA2 exon 11 coldspot. Reclassification based on statistical prior probability.

Literature cited by the submitters: PubMed 31911673 (cited by Quest Diagnostics Nichols Institute San Juan Capistrano).

NM_000059.4(BRCA2):c.5971G>C (p.Ala1991Pro)

Gene: BRCA2 (BRCA2 DNA repair associated; plus strand). Cytogenetic location: 13q13.1.
Variant type: single nucleotide variant.
Coding change: c.5971G>C on transcript NM_000059.4 (MANE Select); coding-DNA position 5971, G replaced by C.
Protein change: p.Ala1991Pro; replaces alanine 1991 with proline.
Molecular consequence: missense variant.
Genome position (GRCh38, 1-based): chr13:32,340,326, G>C. VCF-style: chr13-32340326-G-C. GRCh37 (hg19) VCF-style: chr13-32914463-G-C.
Other names: short protein forms A1991P.
Identifiers: ClinVar variation 953941 (VCV000953941.10), dbSNP rs2072543048, ClinGen allele CA387787626.